The following is an entry in ClinVar:

ClinVar aggregate classification (germline): Uncertain significance (1 of 4 stars; one submission).

Conditions:
Progressive myoclonic epilepsy type 7. Identifiers: Orphanet 435438, MedGen C4015420, MONDO:0014521, OMIM 616187.

Submission:

Labcorp Genetics (formerly Invitae), Labcorp
Classification: Uncertain significance for Progressive myoclonic epilepsy type 7. Last evaluated: 2022-01-11. Review status: criteria provided, single submitter. Criteria: Invitae Variant Classification Sherloc (09022015). Collection method: clinical testing. Allele origin: germline.
Comment: In summary, the available evidence is currently insufficient to determine the role of this variant in disease. Therefore, it has been classified as a Variant of Uncertain Significance. Advanced modeling of protein sequence and biophysical properties (such as structural, functional, and spatial information, amino acid conservation, physicochemical variation, residue mobility, and thermodynamic stability) performed at Invitae indicates that this missense variant is not expected to disrupt KCNC1 protein function. This variant has not been reported in the literature in individuals affected with KCNC1-related conditions. This variant is not present in population databases (gnomAD no frequency). This sequence change replaces aspartic acid, which is acidic and polar, with asparagine, which is neutral and polar, at codon 147 of the KCNC1 protein (p.Asp147Asn).

NM_001112741.2(KCNC1):c.439G>A (p.Asp147Asn)

Gene: KCNC1 (potassium voltage-gated channel subfamily C member 1; plus strand). Cytogenetic location: 11p15.1.
Variant type: single nucleotide variant.
Coding change: c.439G>A on transcript NM_001112741.2 (MANE Select); coding-DNA position 439, G replaced by A.
Protein change: p.Asp147Asn; replaces aspartic acid 147 with asparagine.
Molecular consequence: missense variant.
Genome position (GRCh38, 1-based): chr11:17,736,441, G>A. VCF-style: chr11-17736441-G-A. GRCh37 (hg19) VCF-style: chr11-17757988-G-A.
Other names: c.439G>A, p.Asp147Asn (NM_004976.4); short protein forms D147N.
Identifiers: ClinVar variation 2078737 (VCV002078737.4), dbSNP rs2497736726, ClinGen allele CA379801455.